The following is an entry in ClinVar:

ClinVar aggregate classification (germline): Benign. Review status: criteria provided, multiple submitters, no conflicts (2 of 4 stars). 5 submissions from 5 submitters: Benign (5). Last evaluated 2026-02-04.

Conditions:
Kindler syndrome (KNDLRS). Also called: BULLOUS ACROKERATOTIC POIKILODERMA OF KINDLER AND WEARY; POIKILODERMA, CONGENITAL, WITH BULLAE, WEARY TYPE; POIKILODERMA, HEREDITARY ACROKERATOTIC; Hereditary acrokeratotic poikiloderma of Weary; Poikiloderma of Kindler; Congenital bullous poikiloderma. Identifiers: Orphanet 2908, Orphanet 306539, MedGen C0406557, MONDO:0008260, OMIM 173650.

Allele frequency attached by ClinVar (database versions not stated): 1000 Genomes Project 0.02855; 1000 Genomes Project 30x 0.02951; gnomAD 0.03439 and 0.03556; TOPMed 0.03470; ESP Exome Variant Server 0.03814; gnomAD exomes 0.03896 and 0.04906; ExAC 0.04079.
gnomAD v4.1: 76,977 of 1,612,938 alleles (4.8%); highest among the groups gnomAD compares: South Asian, 7.4%; 2,084 homozygotes.

Submissions (5):

Labcorp Genetics (formerly Invitae), Labcorp
Classification: Benign. Last evaluated: 2026-02-04. Review status: criteria provided, single submitter. Criteria: Invitae Variant Classification Sherloc (09022015). Collection method: clinical testing. Allele origin: germline.

Mayo Clinic Laboratories, Mayo Clinic
Classification: Benign. Last evaluated: 2022-09-06. Review status: criteria provided, single submitter. Criteria: ACMG Guidelines, 2015. Collection method: clinical testing. Allele origin: germline. Observed: 11 variant alleles.

GeneDx
Classification: Benign. Last evaluated: 2021-05-04. Review status: criteria provided, single submitter. Criteria: GeneDx Variant Classification Process June 2021. Collection method: clinical testing. Allele origin: germline. Affected: yes.

Illumina Laboratory Services, Illumina
Classification: Benign for Kindler syndrome. Last evaluated: 2018-01-12. Review status: criteria provided, single submitter. Criteria: ICSL Variant Classification Criteria 13 December 2019. Collection method: clinical testing. Allele origin: germline.
Comment: This variant was observed in the ICSL laboratory as part of a predisposition screen in an ostensibly healthy population. It had not been previously curated by ICSL or reported in the Human Gene Mutation Database (HGMD: prior to June 1st, 2018), and was therefore a candidate for classification through an automated scoring system. Utilizing variant allele frequency, disease prevalence and penetrance estimates, and inheritance mode, an automated score was calculated to assess if this variant is too frequent to cause the disease. Based on the score and internal cut-off values, a variant classified as benign is not then subjected to further curation. The score for this variant resulted in a classification of benign for this disease.

Breakthrough Genomics
Classification: Benign. Review status: criteria provided, single submitter. Criteria: ACMG Guidelines, 2015. Collection method: not provided. Allele origin: germline. Inheritance: Autosomal recessive inheritance. Affected: yes.

NM_017671.5(FERMT1):c.722T>C (p.Val241Ala)

Gene: FERMT1 (FERM domain containing kindlin 1; minus strand). Cytogenetic location: 20p12.3.
Variant type: single nucleotide variant.
Coding change: c.722T>C on transcript NM_017671.5 (MANE Select); coding-DNA position 722, T replaced by C.
Protein change: p.Val241Ala; replaces valine 241 with alanine.
Molecular consequence: missense variant.
Genome position (GRCh38, 1-based): chr20:6,110,322, A>G on the plus strand (T>C on the coding strand, the complement: FERMT1 is on the minus strand). VCF-style: chr20-6110322-A-G. GRCh37 (hg19) VCF-style: chr20-6090969-A-G.
Other names: short protein forms V241A.
Identifiers: ClinVar variation 339226 (VCV000339226.17), dbSNP rs55666319, ClinGen allele CA9758388.
Genomic context (GRCh38, chr20:6,110,322, plus strand): 5'-TAGCTCAGAGAGAAGTAAAAGGAGCCGTGTCCTTACCCTGCATTGAGCTTGGCTTTATCA[A>G]CCAGAGACCGAGGCTGGTACATATCCGCAAGTGCTTCTGGGGACTGGGGGGGTTGGCTGA-3'
Protein context (NP_060141.3, residues 231-251): LADMYQPRSL[Val241Ala]DKAKLNAGWL